The following is an entry in ClinVar:

ClinVar aggregate classification (germline): Pathogenic. Review status: reviewed by expert panel (3 of 4 stars). 2 submissions from 2 submitters: Pathogenic (1). 1 of the submissions does not count toward it. Last evaluated 2016-10-18.

Conditions:
Breast-ovarian cancer, familial, susceptibility to, 2 (BROVCA2). Also called: BRCA2 Hereditary Breast and Ovarian Cancer. Identifiers: Orphanet 145, MedGen C2675520, MONDO:0012933, OMIM 612555. Disease mechanism: loss of function.

Submissions (2):

Evidence-based Network for the Interpretation of Germline Mutant Alleles (ENIGMA)
Classification: Pathogenic for Breast-ovarian cancer, familial, susceptibility to, 2. Last evaluated: 2016-10-18. Review status: reviewed by expert panel. Criteria: ENIGMA BRCA1/2 Classification Criteria (2015). Collection method: curation. Allele origin: germline.
Comment: Variant allele predicted to encode a truncated non-functional protein.

Consortium of Investigators of Modifiers of BRCA1/2 (CIMBA), c/o University of Cambridge
Classification: Pathogenic for Breast-ovarian cancer, familial, susceptibility to, 2. Last evaluated: 2015-10-02. Review status: criteria provided, single submitter. Criteria: CIMBA Mutation Classification guidelines May 2016. Collection method: clinical testing. Allele origin: germline. Not counted in ClinVar's aggregate classification.

NM_000059.4(BRCA2):c.6515C>A (p.Ser2172Ter)

Gene: BRCA2 (BRCA2 DNA repair associated; plus strand). Cytogenetic location: 13q13.1.
Variant type: single nucleotide variant.
Coding change: c.6515C>A on transcript NM_000059.4 (MANE Select); coding-DNA position 6515, C replaced by A.
Protein change: p.Ser2172Ter; replaces serine 2172 with a stop codon.
Molecular consequence: nonsense.
Genome position (GRCh38, 1-based): chr13:32,340,870, C>A. VCF-style: chr13-32340870-C-A. GRCh37 (hg19) VCF-style: chr13-32915007-C-A.
Other names: 6743C>A; short protein forms S2172*.
Identifiers: ClinVar variation 266956 (VCV000266956.5), dbSNP rs886040663, ClinGen allele CA10589385.